The following is an entry in ClinVar:

NM_173728.4(ARHGEF15):c.1918G>A (p.Glu640Lys)

Gene: ARHGEF15 (Rho guanine nucleotide exchange factor 15; plus strand). Cytogenetic location: 17p13.1.
Variant type: single nucleotide variant.
Coding change: c.1918G>A on transcript NM_173728.4 (MANE Select); coding-DNA position 1918, G replaced by A.
Protein change: p.Glu640Lys; replaces glutamic acid 640 with lysine.
Molecular consequence: missense variant.
Genome position (GRCh38, 1-based): chr17:8,318,795, G>A. VCF-style: chr17-8318795-G-A. GRCh37 (hg19) VCF-style: chr17-8222113-G-A.
Other names: c.1918G>A, p.Glu640Lys (NM_025014.2); short protein forms E640K.
Identifiers: ClinVar variation 572173 (VCV000572173.10), dbSNP rs375563358, ClinGen allele CA8375354.

ClinVar aggregate classification (germline): Uncertain significance (1 of 4 stars; one submission).

Conditions:
Early-infantile DEE. Also called: Early infantile epileptic encephalopathy with suppression bursts; Early infantile epileptic encephalopathy; Ohtahara syndrome. Identifiers: Orphanet 1934, MedGen C0393706, MONDO:0800491.

Allele frequency attached by ClinVar (database versions not stated): ESP Exome Variant Server 0.00015; 1000 Genomes Project 30x 0.00016; 1000 Genomes Project 0.00020; TOPMed 0.00022.
gnomAD v4.1: 58 of 1,613,588 alleles (0.0036%); highest among the groups gnomAD compares: African/African-American, 0.068%; no homozygotes.

Submission:

Labcorp Genetics (formerly Invitae), Labcorp
Classification: Uncertain significance for Early-infantile DEE. Last evaluated: 2025-05-22. Review status: criteria provided, single submitter. Criteria: Invitae Variant Classification Sherloc (09022015). Collection method: clinical testing. Allele origin: germline.
Comment: This sequence change replaces glutamic acid, which is acidic and polar, with lysine, which is basic and polar, at codon 640 of the ARHGEF15 protein (p.Glu640Lys). This variant is present in population databases (rs375563358, gnomAD 0.07%), and has an allele count higher than expected for a pathogenic variant. This variant has not been reported in the literature in individuals affected with ARHGEF15-related conditions. ClinVar contains an entry for this variant (Variation ID: 572173). An algorithm developed to predict the effect of missense changes on protein structure and function (PolyPhen-2) suggests that this variant is likely to be disruptive. In summary, the available evidence is currently insufficient to determine the role of this variant in disease. Therefore, it has been classified as a Variant of Uncertain Significance.